The following is an entry in ClinVar:

ClinVar aggregate classification (germline): Uncertain significance (1 of 4 stars; one submission).

Conditions:
Developmental and epileptic encephalopathy, 67. Also called: EPILEPTIC ENCEPHALOPATHY, EARLY INFANTILE, 67. Identifiers: MedGen C4748341, MONDO:0029138, OMIM 618141.

gnomAD v4.1: 2 of 1,596,146 alleles (0.00013%); highest among the groups gnomAD compares: South Asian, 0.0022%; no homozygotes.

Submission:

Neuberg Centre For Genomic Medicine, NCGM
Classification: Uncertain significance for Developmental and epileptic encephalopathy, 67. Last evaluated: 2023-06-22. Review status: criteria provided, single submitter. Criteria: ACMG Guidelines, 2015. Collection method: clinical testing. Allele origin: germline. Inheritance: Autosomal dominant inheritance. Affected: yes.
Comment: The missense c.2435C>T(p.Ser812Phe) variant in CUX2 gene has not been reported previously as a pathogenic variant nor as a benign variant, to our knowledge. The p.Ser812Phe variant is absent in gnomAD Exomes. This variant has not been submitted to the ClinVar database. Multiple lines of computational evidences (Polyphen - Probably damaging, SIFT - Damaging and MutationTaster - Disease causing) predict a damaging effect on protein structure and function for this variant. The reference amino acid at this position on CUX2 gene is predicted as conserved by GERP++ and PhyloP across 100 vertebrates. The amino acid Ser at position 812 is changed to a Phe changing protein sequence and it might alter its composition and physico-chemical properties. For these reasons, this variant has been classified as a Variant of Uncertain Significance (VUS).

NM_015267.4(CUX2):c.2435C>T (p.Ser812Phe)

Gene: CUX2 (cut like homeobox 2; plus strand). Cytogenetic location: 12q24.12.
Variant type: single nucleotide variant.
Coding change: c.2435C>T on transcript NM_015267.4 (MANE Select); coding-DNA position 2435, C replaced by T.
Protein change: p.Ser812Phe; replaces serine 812 with phenylalanine.
Molecular consequence: missense variant.
Genome position (GRCh38, 1-based): chr12:111,320,444, C>T. VCF-style: chr12-111320444-C-T. GRCh37 (hg19) VCF-style: chr12-111758248-C-T.
Other names: c.2249C>T, p.Ser750Phe (NM_001370598.1); short protein forms S750F, S812F.
Identifiers: ClinVar variation 3731460 (VCV003731460.1).
Genomic context (GRCh38, chr12:111,320,444, plus strand): 5'-ACCGCGGCCTGCTCAGCCGCCCCTACGCCTCCGTGTCGCCCTCGCTGTCCTCCTCCTCCT[C>T]CTCTGGCTACTCTGGCCAGCCCAACGGCCGCGCCTGGCCCCGCGGGGACGAGGCCCCTGT-3'
Protein context (NP_056082.2, residues 802-822): SVSPSLSSSS[Ser812Phe]SGYSGQPNGR